The following is an entry in ClinVar:

NM_015331.3(NCSTN):c.98G>T (p.Gly33Val)

Gene: NCSTN (nicastrin; plus strand). Cytogenetic location: 1q23.2.
Variant type: single nucleotide variant.
Coding change: c.98G>T on transcript NM_015331.3 (MANE Select); coding-DNA position 98, G replaced by T.
Protein change: p.Gly33Val; replaces glycine 33 with valine.
Molecular consequence: missense variant.
Genome position (GRCh38, 1-based): chr1:160,344,734, G>T. VCF-style: chr1-160344734-G-T. GRCh37 (hg19) VCF-style: chr1-160314524-G-T.
Other names: c.38G>T, p.Gly13Val (NM_001290184.2); c.98G>T, p.Gly33Val (NM_001290186.2, NM_001349729.2); short protein forms G33V, G13V.
Identifiers: ClinVar variation 1980186 (VCV001980186.4), dbSNP rs201482602, ClinGen allele CA1198601.

ClinVar aggregate classification (germline): Uncertain significance (1 of 4 stars; one submission).

Allele frequency attached by ClinVar (database versions not stated): gnomAD exomes below 0.00001; ExAC 0.00001; gnomAD 0.00001.

Submission:

Labcorp Genetics (formerly Invitae), Labcorp
Classification: Uncertain significance. Last evaluated: 2024-05-23. Review status: criteria provided, single submitter. Criteria: Invitae Variant Classification Sherloc (09022015). Collection method: clinical testing. Allele origin: germline.
Comment: This sequence change replaces glycine, which is neutral and non-polar, with valine, which is neutral and non-polar, at codon 33 of the NCSTN protein (p.Gly33Val). This variant is present in population databases (rs201482602, gnomAD 0.0009%). This variant has not been reported in the literature in individuals affected with NCSTN-related conditions. ClinVar contains an entry for this variant (Variation ID: 1980186). Advanced modeling of protein sequence and biophysical properties (such as structural, functional, and spatial information, amino acid conservation, physicochemical variation, residue mobility, and thermodynamic stability) performed at Invitae indicates that this missense variant is not expected to disrupt NCSTN protein function with a negative predictive value of 80%. In summary, the available evidence is currently insufficient to determine the role of this variant in disease. Therefore, it has been classified as a Variant of Uncertain Significance.